The following is an entry in ClinVar:

NM_018941.4(CLN8):c.725del (p.Thr242fs)

Gene: CLN8 (CLN8 transmembrane ER and ERGIC protein; plus strand). Cytogenetic location: 8p23.3.
Variant type: Deletion.
Coding change: c.725del on transcript NM_018941.4 (MANE Select); coding-DNA position 725, one base deleted (C; older notation c.725delC).
Protein change: p.Thr242fs; shifts the reading frame from threonine 242.
Molecular consequence: frameshift variant.
Genome position (GRCh38, 1-based): chr8:1,780,431, C deleted. VCF-style (leftmost placement, unchanged base first): chr8-1780430-AC-A. GRCh37 (hg19) VCF-style: chr8-1728596-AC-A.
Other names: short protein forms T242fs.
Identifiers: ClinVar variation 1696361 (VCV001696361.1), dbSNP rs2129015276, ClinGen allele CA2580077997.
Genomic context (GRCh38, chr8:1,780,430, plus strand): 5'-CTGGTCAGCAGCCTGTATCTGCCTCATTTGACACTGTTCCTTGTCGGACTGGCTCTGCTT[AC>A]GCTAATCATTAATCCATATTGGACCCATAAGAAGACTCAGCAGCTTCTCAATCCGGTGGA-3'

ClinVar aggregate classification (germline): Likely pathogenic (1 of 4 stars; one submission).

Conditions:
Neuronal ceroid lipofuscinosis. Also called: Neuronal Ceroid Lipofuscinoses. Identifiers: Orphanet 216, Orphanet 79263, MedGen C0027877, MONDO:0016295. Disease mechanism: loss of function.

Submission:

Women's Health and Genetics/Laboratory Corporation of America, LabCorp
Classification: Likely pathogenic for Neuronal ceroid lipofuscinosis. Last evaluated: 2022-05-18. Review status: criteria provided, single submitter. Criteria: LabCorp Variant Classification Summary - May 2015. Collection method: clinical testing. Allele origin: germline.
Comment: Variant summary: CLN8 c.725delC (p.Thr242SerfsX2) results in a premature termination codon, predicted to disrupt the last 45 amino acids of the CLN8 protein and not anticipated to result in nonsense mediated decay. At least one truncation downstream of this position has been classified as likely pathogenic in ClinVar database (Variant ID: 558594). The variant was absent in 251490 control chromosomes (gnomAD). To our knowledge, no occurrence of c.725delC in individuals affected with Neuronal Ceroid-Lipofuscinosis (Batten Disease) and no experimental evidence demonstrating its impact on protein function have been reported. No clinical diagnostic laboratories have submitted clinical-significance assessments for this variant to ClinVar after 2014. Based on the evidence outlined above, the variant was classified as likely pathogenic.